The following is an entry in ClinVar:

ClinVar aggregate classification (germline): Pathogenic/Likely pathogenic. Review status: criteria provided, multiple submitters, no conflicts (2 of 4 stars). 4 submissions from 4 submitters: Pathogenic (1); Likely pathogenic (3). Last evaluated 2024-02-29.

Conditions:
Hepatoencephalopathy due to combined oxidative phosphorylation defect type 1. Also called: HEPATOENCEPHALOPATHY, EARLY FATAL PROGRESSIVE. Identifiers: Orphanet 137681, MedGen C1836797, MONDO:0012191, OMIM 609060.

Submissions (4):

Fulgent Genetics
Classification: Likely pathogenic for Hepatoencephalopathy due to combined oxidative phosphorylation defect type 1. Last evaluated: 2024-02-29. Review status: criteria provided, single submitter. Criteria: ACMG Guidelines, 2015. Collection method: clinical testing. Allele origin: germline.

Baylor Genetics
Classification: Likely pathogenic for Hepatoencephalopathy due to combined oxidative phosphorylation defect type 1. Last evaluated: 2024-01-09. Review status: criteria provided, single submitter. Criteria: ACMG Guidelines, 2015. Collection method: clinical testing. Allele origin: unknown.

Labcorp Genetics (formerly Invitae), Labcorp
Classification: Pathogenic. Last evaluated: 2023-12-12. Review status: criteria provided, single submitter. Criteria: Invitae Variant Classification Sherloc (09022015). Collection method: clinical testing. Allele origin: germline.
Comment: This sequence change creates a premature translational stop signal (p.Ser57*) in the GFM1 gene. It is expected to result in an absent or disrupted protein product. Loss-of-function variants in GFM1 are known to be pathogenic (PMID: 16632485, 17160893). This variant is present in population databases (rs752037355, gnomAD 0.003%). This variant has not been reported in the literature in individuals affected with GFM1-related conditions. ClinVar contains an entry for this variant (Variation ID: 421888). For these reasons, this variant has been classified as Pathogenic.

GeneDx
Classification: Likely pathogenic. Last evaluated: 2018-12-15. Review status: criteria provided, single submitter. Criteria: GeneDx Variant Classification (06012015). Collection method: clinical testing. Allele origin: germline. Affected: yes.
Comment: The c.166_169dupGATT variant in the GFM1 gene has not been reported previously as a pathogenic variant nor as a benign variant, to our knowledge. This variant results in the replacement of the normal Serine residue at position 57 with a premature Stop codon, denoted p.Ser57Ter. The c.166_169dupGATT variant is predicted to cause loss of normal protein function either through protein truncation or nonsense-mediated mRNA decay. The c.166_169dupGATT variant is not observed at a significant frequency in large population cohorts (Lek et al., 2016; 1000 Genomes Consortium et al., 2015; Exome Variant Server). We interpret c.166_169dupGATT as a likely pathogenic variant.

Literature cited by the submitters: PubMed 16632485 (cited by Labcorp Genetics (formerly Invitae), Labcorp); PubMed 17160893 (cited by Labcorp Genetics (formerly Invitae), Labcorp).

NM_024996.7(GFM1):c.166_169dup (p.Ser57Ter)

Gene: GFM1 (G elongation factor mitochondrial 1; plus strand). Cytogenetic location: 3q25.32.
Variant type: Duplication.
Coding change: c.166_169dup on transcript NM_024996.7 (MANE Select); coding-DNA positions 166 to 169, 4 bases duplicated (GATT; older notation c.166_169dupGATT).
Protein change: p.Ser57Ter; replaces serine 57 with a stop codon.
Molecular consequence: nonsense. On other transcripts: 5 prime UTR variant (4), non-coding transcript variant (4).
Genome position (GRCh38, 1-based): chr3:158,645,713-158,645,716, GATT duplicated; duplicating any 4 consecutive bases within chr3:158,645,710-158,645,716 gives the same sequence; the c. name uses the placement nearest the transcript's 3' end. VCF-style (leftmost placement, unchanged base first): chr3-158645709-C-CATTG. GRCh37 (hg19) VCF-style: chr3-158363498-C-CATTG.
Other names: c.166_169dup, p.Ser57Ter (NM_001308164.2, NM_001308166.2, NM_001374355.1 and 2 more transcripts); c.-60_-57dup (NM_001374357.1); c.-64_-61dup (NM_001374359.1, NM_001374360.1, NM_001374361.1); c.166_169dupGATT (NM_024996.5); short protein forms S57*.
Identifiers: ClinVar variation 421888 (VCV000421888.9), dbSNP rs752037355, ClinGen allele CA2682235.